The following is an entry in ClinVar:

ClinVar aggregate classification (germline): Uncertain significance. Review status: criteria provided, multiple submitters, no conflicts (2 of 4 stars). 3 submissions from 3 submitters: Uncertain significance (3). Last evaluated 2023-09-03.

Conditions:
Hereditary cancer-predisposing syndrome. Also called: Hereditary neoplastic syndrome; Hereditary Cancer Syndrome; Neoplastic Syndromes, Hereditary; Tumor predisposition. Identifiers: Orphanet 140162, MedGen C0027672, MeSH D009386, MONDO:0015356.
Familial adenomatous polyposis 2. Also called: MYH-associated polyposis; COLORECTAL ADENOMATOUS POLYPOSIS, AUTOSOMAL RECESSIVE; ADENOMAS, MULTIPLE COLORECTAL, AUTOSOMAL RECESSIVE; MUTYH-related attenuated familial adenomatous polyposis; Adenomas, multiple colorectal; FAP type 2. Identifiers: Orphanet 220460, Orphanet 247798, MedGen C3272841, MONDO:0012041, OMIM 608456.

Submissions (3):

Labcorp Genetics (formerly Invitae), Labcorp
Classification: Uncertain significance for Familial adenomatous polyposis 2. Last evaluated: 2023-09-03. Review status: criteria provided, single submitter. Criteria: Invitae Variant Classification Sherloc (09022015). Collection method: clinical testing. Allele origin: germline.
Comment: This sequence change replaces tryptophan, which is neutral and slightly polar, with leucine, which is neutral and non-polar, at codon 156 of the MUTYH protein (p.Trp156Leu). This variant is not present in population databases (gnomAD no frequency). This variant has not been reported in the literature in individuals affected with MUTYH-related conditions. ClinVar contains an entry for this variant (Variation ID: 490036). An algorithm developed to predict the effect of missense changes on protein structure and function (PolyPhen-2) suggests that this variant is likely to be disruptive. Algorithms developed to predict the effect of sequence changes on RNA splicing suggest that this variant may create or strengthen a splice site. In summary, the available evidence is currently insufficient to determine the role of this variant in disease. Therefore, it has been classified as a Variant of Uncertain Significance.

Revvity Omics, Revvity
Classification: Uncertain significance for Familial adenomatous polyposis 2. Last evaluated: 2019-09-05. Review status: criteria provided, single submitter. Criteria: ACMG Guidelines, 2015. Collection method: clinical testing. Allele origin: germline.

Color Diagnostics, LLC DBA Color Health
Classification: Uncertain significance for Hereditary cancer-predisposing syndrome. Last evaluated: 2019-06-29. Review status: criteria provided, single submitter. Criteria: ACMG Guidelines, 2015. Collection method: clinical testing. Allele origin: germline.

NM_001048174.2(MUTYH):c.383G>T (p.Trp128Leu)

Gene: MUTYH (mutY DNA glycosylase; minus strand). Cytogenetic location: 1p34.1.
Variant type: single nucleotide variant.
Coding change: c.383G>T on transcript NM_001048174.2 (MANE Select); coding-DNA position 383, G replaced by T.
Protein change: p.Trp128Leu; replaces tryptophan 128 with leucine.
Molecular consequence: missense variant. On other transcripts: non-coding transcript variant (2).
Genome position (GRCh38, 1-based): chr1:45,332,955, C>A on the plus strand (G>T on the coding strand, the complement: MUTYH is on the minus strand). VCF-style: chr1-45332955-C-A. GRCh37 (hg19) VCF-style: chr1-45798627-C-A.
Other names: c.383G>T, p.Trp128Leu (NM_001048171.2, NM_001048173.2, NM_001293195.2); c.386G>T, p.Trp129Leu (NM_001048172.2); c.467G>T, p.Trp156Leu (NM_001128425.2); c.428G>T, p.Trp143Leu (NM_001293190.2); c.416G>T, p.Trp139Leu (NM_001293191.2); c.107G>T, p.Trp36Leu (NM_001293192.2, NM_001293196.2); c.38G>T, p.Trp13Leu (NM_001350650.2, NM_001350651.2); c.458G>T, p.Trp153Leu (NM_012222.3); short protein forms W156L, W128L, W13L, W139L, W153L, W36L, W129L, W143L.
Identifiers: ClinVar variation 490036 (VCV000490036.10), dbSNP rs762307622, ClinGen allele CA340136019.